The following is an entry in ClinVar:

ClinVar aggregate classification (germline): Pathogenic. Review status: criteria provided, multiple submitters, no conflicts (2 of 4 stars). 2 submissions from 2 submitters: Pathogenic (2). Last evaluated 2021-04-02.

Conditions:
DICER1-related tumor predisposition. Also called: DICER1-related pleuropulmonary blastoma cancer predisposition syndrome; DICER1 syndrome. Identifiers: Orphanet 284343, MedGen C3839822, MONDO:0100216.
Hereditary cancer-predisposing syndrome. Also called: Hereditary neoplastic syndrome; Tumor predisposition; Neoplastic Syndromes, Hereditary; Hereditary Cancer Syndrome. Identifiers: Orphanet 140162, MedGen C0027672, MeSH D009386, MONDO:0015356.

Submissions (2):

Ambry Genetics
Classification: Pathogenic for Hereditary cancer-predisposing syndrome. Last evaluated: 2021-04-02. Review status: criteria provided, single submitter. Criteria: Ambry Variant Classification Scheme 2023. Collection method: clinical testing. Allele origin: germline.
Comment: The c.4923_4926delTTTG pathogenic mutation, located in coding exon 22 of the DICER1 gene, results from a deletion of 4 nucleotides at nucleotide positions 4923 to 4926, causing a translational frameshift with a predicted alternate stop codon (p.C1641*). This alteration is expected to result in loss of function by premature protein truncation or nonsense-mediated mRNA decay. As such, this alteration is interpreted as a disease-causing mutation.

Foulkes Cancer Genetics LDI, Lady Davis Institute for Medical Research
Classification: Pathogenic for Pleuropulmonary blastoma. Last evaluated: 2019-07-01. Review status: criteria provided, single submitter. Criteria: ACMG Guidelines, 2015. Collection method: curation. Allele origin: germline. Affected: yes. Observed: 1 variant allele.
Comment: ACMG criteria met: PVS1, PM2, PP4

Literature cited by the submitters: PubMed 28654427 (cited by Foulkes Cancer Genetics LDI, Lady Davis Institute for Medical Research).

NM_177438.3(DICER1):c.4923_4926del (p.Gly1640_Cys1641insTer)

Gene: DICER1 (dicer 1, ribonuclease III; minus strand). Cytogenetic location: 14q32.13.
Variant type: Deletion.
Coding change: c.4923_4926del on transcript NM_177438.3 (MANE Select); coding-DNA positions 4923 to 4926, 4 bases deleted (TTTG; older notation c.4923_4926delTTTG).
Protein change: p.Gly1640_Cys1641insTer.
Molecular consequence: nonsense.
Genome position (GRCh38, 1-based): chr14:95,095,994-95,095,997, CAAA deleted on the plus strand (TTTG on the coding strand, the reverse complement: DICER1 is on the minus strand); deleting any 4 consecutive bases within chr14:95,095,994-95,096,000 gives the same sequence; the c. name uses the placement nearest the transcript's 3' end. VCF-style (leftmost placement, unchanged base first): chr14-95095993-TCAAA-T. GRCh37 (hg19) VCF-style: chr14-95562330-TCAAA-T.
Other names: c.4923_4926delTTTG (NM_177438.2); c.4923_4926del, p.Gly1640_Cys1641insTer (NM_001195573.1, NM_001271282.3, NM_001291628.2 and 1 more transcripts).
Identifiers: ClinVar variation 429127 (VCV000429127.8), dbSNP rs1131691200, ClinGen allele CA645369608.